The following is an entry in ClinVar:

NM_000435.3(NOTCH3):c.2359G>A (p.Glu787Lys)

Gene: NOTCH3 (notch receptor 3; minus strand). Cytogenetic location: 19p13.12.
Variant type: single nucleotide variant.
Coding change: c.2359G>A on transcript NM_000435.3 (MANE Select); coding-DNA position 2359, G replaced by A.
Protein change: p.Glu787Lys; replaces glutamic acid 787 with lysine.
Molecular consequence: missense variant.
Genome position (GRCh38, 1-based): chr19:15,184,957, C>T on the plus strand (G>A on the coding strand, the complement: NOTCH3 is on the minus strand). VCF-style: chr19-15184957-C-T. GRCh37 (hg19) VCF-style: chr19-15295768-C-T.
Other names: short protein forms E787K.
Identifiers: ClinVar variation 425165 (VCV000425165.46), dbSNP rs1064797234, ClinGen allele CA16621725.

ClinVar aggregate classification (germline): Conflicting classifications of pathogenicity. Review status: criteria provided, conflicting classifications (1 of 4 stars). 3 submissions from 3 submitters: Uncertain significance (2); Likely benign (1). Last evaluated 2024-12-02.

Allele frequency attached by ClinVar (database versions not stated): gnomAD exomes 0.00001; TOPMed 0.00001; gnomAD 0.00002 and 0.00003.
gnomAD v4.1: 14 of 1,548,592 alleles (0.0009%); highest among the groups gnomAD compares: African/African-American, 0.0041%; no homozygotes.

Submissions (3):

Women's Health and Genetics/Laboratory Corporation of America, LabCorp
Classification: Uncertain significance. Last evaluated: 2024-12-02. Review status: criteria provided, single submitter. Criteria: LabCorp Variant Classification Summary - May 2015. Collection method: clinical testing. Allele origin: germline.
Comment: Variant summary: NOTCH3 c.2359G>A (p.Glu787Lys) results in a conservative amino acid change located in the EGF-like domain (IPR000742) of the encoded protein sequence. Five of five in-silico tools predict a benign effect of the variant on protein function. The frequency data for this variant in gnomAD is considered unreliable, as metrics indicate poor data quality at this position. To our knowledge, no occurrence of c.2359G>A in individuals affected with Cerebral arteriopathy, autosomal dominant, with subcortical infarcts and leukoencephalopathy, type 1 and no experimental evidence demonstrating its impact on protein function have been reported. ClinVar contains an entry for this variant (Variation ID: 425165). Based on the evidence outlined above, the variant was classified as uncertain significance.

Labcorp Genetics (formerly Invitae), Labcorp
Classification: Likely benign. Last evaluated: 2024-04-29. Review status: criteria provided, single submitter. Criteria: Invitae Variant Classification Sherloc (09022015). Collection method: clinical testing. Allele origin: germline.

CeGaT Center for Human Genetics Tuebingen
Classification: Uncertain significance. Last evaluated: 2016-10-01. Review status: criteria provided, single submitter. Criteria: CeGaT Center For Human Genetics Tuebingen Variant Classification Criteria Version 2. Collection method: clinical testing. Allele origin: germline. Affected: yes. Observed: 1 variant allele.